The following is an entry in ClinVar:

ClinVar aggregate classification (germline): Benign/Likely benign. Review status: criteria provided, multiple submitters, no conflicts (2 of 4 stars). 3 submissions from 3 submitters: Benign (1); Likely benign (2). Last evaluated 2024-03-18.

Conditions:
Hereditary cancer-predisposing syndrome. Also called: Neoplastic Syndromes, Hereditary; Hereditary neoplastic syndrome; Tumor predisposition; Hereditary Cancer Syndrome. Identifiers: Orphanet 140162, MedGen C0027672, MeSH D009386, MONDO:0015356.
Familial adenomatous polyposis 1 (FAP1). Also called: POLYPOSIS, ADENOMATOUS INTESTINAL; FAMILIAL ADENOMATOUS POLYPOSIS 1, ATTENUATED. Identifiers: MedGen C2713442, MONDO:0021056, OMIM 175100. Disease mechanism: loss of function.

Submissions (3):

Myriad Genetics, Inc.
Classification: Benign for Familial adenomatous polyposis 1. Last evaluated: 2024-03-18. Review status: criteria provided, single submitter. Criteria: Myriad Autosomal Dominant, Autosomal Recessive and X-Linked Classification Criteria (2023). Collection method: clinical testing. Allele origin: unknown.
Comment: This variant is considered benign. This variant is a silent/synonymous amino acid change and it is not expected to impact splicing.

Ambry Genetics
Classification: Likely benign for Hereditary cancer-predisposing syndrome. Last evaluated: 2020-06-20. Review status: criteria provided, single submitter. Criteria: Ambry Variant Classification Scheme 2023. Collection method: clinical testing. Allele origin: germline.

Labcorp Genetics (formerly Invitae), Labcorp
Classification: Likely benign for Familial adenomatous polyposis 1. Last evaluated: 2018-11-29. Review status: criteria provided, single submitter. Criteria: Invitae Variant Classification Sherloc (09022015). Collection method: clinical testing. Allele origin: germline.

NM_000038.6(APC):c.3030T>C (p.Ser1010=)

Gene: APC (APC regulator of Wnt signaling pathway; plus strand). Cytogenetic location: 5q22.2.
Variant type: single nucleotide variant.
Coding change: c.3030T>C on transcript NM_000038.6 (MANE Select); coding-DNA position 3030, T replaced by C.
Protein change: p.Ser1010=; no amino-acid change (serine 1010 retained).
Molecular consequence: synonymous variant.
Genome position (GRCh38, 1-based): chr5:112,838,624, T>C. VCF-style: chr5-112838624-T-C. GRCh37 (hg19) VCF-style: chr5-112174321-T-C.
Other names: c.3030T>C, p.Ser1010= (NM_001127510.3, NM_001354895.2); c.2976T>C, p.Ser992= (NM_001127511.3); c.3084T>C, p.Ser1028= (NM_001354896.2); c.3060T>C, p.Ser1020= (NM_001354897.2); c.2955T>C, p.Ser985= (NM_001354898.2); c.2946T>C, p.Ser982= (NM_001354899.2); c.2907T>C, p.Ser969= (NM_001354900.2); c.2853T>C, p.Ser951= (NM_001354901.2); and 5 more.
Identifiers: ClinVar variation 798372 (VCV000798372.11), dbSNP rs1580630161, ClinGen allele CA445963137.
Genomic context (GRCh38, chr5:112,838,624, plus strand): 5'-TGAAAGTAAGTTTTGCAGTTATGGTCAATACCCAGCCGACCTAGCCCATAAAATACATAG[T>C]GCAAATCATATGGATGATAATGATGGAGAACTAGATACACCAATAAATTATAGTCTTAAA-3'
Protein context (NP_000029.2, residues 1000-1020): YPADLAHKIH[Ser1010=]ANHMDDNDGE